The following is an entry in ClinVar:

ClinVar aggregate classification (germline): Likely pathogenic (1 of 4 stars; one submission).

Conditions:
Cohen syndrome (COH1). Also called: PEPPER SYNDROME; Cutis verticis gyrata, retinitis pigmentosa, and sensorineural deafness. Identifiers: Orphanet 193, MedGen C0265223, MONDO:0008999, OMIM 216550.

Submission:

Labcorp Genetics (formerly Invitae), Labcorp
Classification: Likely pathogenic for Cohen syndrome. Last evaluated: 2022-02-04. Review status: criteria provided, single submitter. Criteria: Invitae Variant Classification Sherloc (09022015). Collection method: clinical testing. Allele origin: germline.
Comment: This sequence change affects an acceptor splice site in intron 28 of the VPS13B gene. It is expected to disrupt RNA splicing. Variants that disrupt the donor or acceptor splice site typically lead to a loss of protein function (PMID: 16199547), and loss-of-function variants in VPS13B are known to be pathogenic (PMID: 15141358, 16648375, 20461111). In summary, the currently available evidence indicates that the variant is pathogenic, but additional data are needed to prove that conclusively. Therefore, this variant has been classified as Likely Pathogenic. Algorithms developed to predict the effect of sequence changes on RNA splicing suggest that this variant may disrupt the consensus splice site. This variant has not been reported in the literature in individuals affected with VPS13B-related conditions. This variant is not present in population databases (gnomAD no frequency).

Literature cited by the submitters: PubMed 16199547; PubMed 15141358; PubMed 16648375; PubMed 20461111.

NM_152564.5(VPS13B):c.4225-1G>A

Gene: VPS13B (vacuolar protein sorting 13 homolog B; plus strand). Cytogenetic location: 8q22.2.
Variant type: single nucleotide variant.
Coding change: c.4225-1G>A on transcript NM_152564.5 (MANE Select); the canonical splice acceptor site of the intron before coding-DNA position 4225, G replaced by A.
Molecular consequence: splice acceptor variant.
Genome position (GRCh38, 1-based): chr8:99,511,103, G>A. VCF-style: chr8-99511103-G-A. GRCh37 (hg19) VCF-style: chr8-100523331-G-A.
Other names: c.4300-1G>A (NM_017890.5).
Identifiers: ClinVar variation 1520015 (VCV001520015.8), dbSNP rs2133637043, ClinGen allele CA371871164.